The following is an entry in ClinVar:

ClinVar aggregate classification (germline): Pathogenic (1 of 4 stars; one submission).

gnomAD v4.1: 4 of 1,612,450 alleles (0.00025%); highest among the groups gnomAD compares: African/African-American, 0.0013%; no homozygotes.

Submission:

Labcorp Genetics (formerly Invitae), Labcorp
Classification: Pathogenic. Last evaluated: 2025-01-26. Review status: criteria provided, single submitter. Criteria: Invitae Variant Classification Sherloc (09022015). Collection method: clinical testing. Allele origin: germline.
Comment: This sequence change creates a premature translational stop signal (p.Arg868*) in the TTLL5 gene. It is expected to result in an absent or disrupted protein product. Loss-of-function variants in TTLL5 are known to be pathogenic (PMID: 24791901, 27162334). This variant is not present in population databases (gnomAD no frequency). This variant has not been reported in the literature in individuals affected with TTLL5-related conditions. For these reasons, this variant has been classified as Pathogenic.

Literature cited by the submitters: PubMed 24791901; PubMed 27162334.

NM_015072.5(TTLL5):c.2602C>T (p.Arg868Ter)

Gene: TTLL5 (tubulin tyrosine ligase like 5; plus strand). Cytogenetic location: 14q24.3.
Variant type: single nucleotide variant.
Coding change: c.2602C>T on transcript NM_015072.5 (MANE Select); coding-DNA position 2602, C replaced by T.
Protein change: p.Arg868Ter; replaces arginine 868 with a stop codon.
Molecular consequence: nonsense.
Genome position (GRCh38, 1-based): chr14:75,782,573, C>T. VCF-style: chr14-75782573-C-T. GRCh37 (hg19) VCF-style: chr14-76248916-C-T.
Other names: short protein forms R868*.
Identifiers: ClinVar variation 3618078 (VCV003618078.2).
Genomic context (GRCh38, chr14:75,782,573, plus strand): 5'-GTGAAAATAAAGCCACCTAAACAGCAACAGACGACAGAAATTCATTCTGATAAATTATCT[C>T]GTGAGTGATTTCAAACCTACCTAGATTTGCTGCTCTCTGATAATTTCCTAAAAGAAGGAA-3'